The following is an entry in ClinVar:

NC_012920.1(MT-RNR1):m.1420T>C

Gene: MT-RNR1 (mitochondrially encoded 12S RNA; plus strand).
Variant type: single nucleotide variant.
Genome position: chrM-1420-T-C.
Identifiers: ClinVar variation 42219 (VCV000042219.5), dbSNP rs111033356, ClinGen allele CA131005.
Genomic context (GRCh38, chrMT:1,420, plus strand): 5'-GGGCTACATTTTCTACCCCAGAAAACTACGATAGCCCTTATGAAACTTAAGGGTCGAAGG[T>C]GGATTTAGCAGTAAACTAAGAGTAGAGTGCTTAGTTGAACAGGGCCCTGAAGCGCGTACA-3'

ClinVar aggregate classification (germline): Benign. Review status: criteria provided, multiple submitters, no conflicts (2 of 4 stars). 2 submissions from 2 submitters: Benign (2). Last evaluated 2018-05-29.

Submissions (2):

Athena Diagnostics
Classification: Benign. Last evaluated: 2018-05-29. Review status: criteria provided, single submitter. Criteria: Athena Diagnostics Criteria. Collection method: clinical testing. Allele origin: germline.

Laboratory for Molecular Medicine, Mass General Brigham Personalized Medicine
Classification: Benign. Last evaluated: 2017-06-26. Review status: criteria provided, single submitter. Criteria: LMM Criteria. Collection method: clinical testing. Allele origin: germline. Observed: 5 variant alleles.
Comment: m.1420T>C in MTRNR1: This variant is not expected to have clinical significance because it has been identified in 12.1% (55/456) of the L1c haplogroup in MitoMa p.

Literature cited by the submitters: PubMed 8800928 (cited by Athena Diagnostics and Laboratory for Molecular Medicine, Mass General Brigham Personalized Medicine); PubMed 15841390 (cited by Athena Diagnostics and Laboratory for Molecular Medicine, Mass General Brigham Personalized Medicine); PubMed 19371214 (cited by Athena Diagnostics); PubMed 11130070 (cited by Laboratory for Molecular Medicine, Mass General Brigham Personalized Medicine); PubMed 11938495 (cited by Laboratory for Molecular Medicine, Mass General Brigham Personalized Medicine); PubMed 15466285 (cited by Laboratory for Molecular Medicine, Mass General Brigham Personalized Medicine).